The following is an entry in ClinVar:

ClinVar aggregate classification (germline): Likely benign (0 of 4 stars; one submission).

Conditions:
ANK1-related disorder. Also called: ANK1-related condition.

Allele frequency attached by ClinVar (database versions not stated): ExAC 0.00031; 1000 Genomes Project 0.00040; gnomAD 0.00012; 1000 Genomes Project 30x 0.00031.
gnomAD v4.1: 292 of 1,614,046 alleles (0.018%); highest among the groups gnomAD compares: South Asian, 0.15%; 2 homozygotes.

Submission:

PreventionGenetics, part of Exact Sciences
Classification: Likely benign for ANK1-related condition. Last evaluated: 2019-03-06. Review status: no assertion criteria provided. Collection method: clinical testing. Allele origin: germline.
Comment: This variant is classified as likely benign based on ACMG/AMP sequence variant interpretation guidelines (Richards et al. 2015 PMID: 25741868, with internal and published modifications).

NM_000037.4(ANK1):c.*10G>A

Gene: ANK1 (ankyrin 1; minus strand). Cytogenetic location: 8p11.21.
Variant type: single nucleotide variant.
Coding change: c.*10G>A on transcript NM_000037.4 (MANE Select); 10 bases downstream of the stop codon, G replaced by A.
Molecular consequence: 3 prime UTR variant. On other transcripts: intron variant (6).
Genome position (GRCh38, 1-based): chr8:41,661,456, C>T on the plus strand (G>A on the coding strand, the complement: ANK1 is on the minus strand). VCF-style: chr8-41661456-C-T. GRCh37 (hg19) VCF-style: chr8-41518974-C-T.
Other names: c.*10G>A (NM_020478.5); c.5667+420G>A (NM_001142446.2); c.5133+345G>A (NM_020477.3); c.5544+420G>A (NM_020475.3); c.5619+345G>A (NM_020476.3); c.303+2203G>A (NM_020480.5); c.444+345G>A (NM_001142445.2).
Identifiers: ClinVar variation 3057384 (VCV003057384.2), dbSNP rs568372288, ClinGen allele CA4727042.